The following is an entry in ClinVar:

ClinVar aggregate classification (germline): Uncertain significance (1 of 4 stars; one submission).

Submission:

GeneDx
Classification: Uncertain significance. Last evaluated: 2024-04-05. Review status: criteria provided, single submitter. Criteria: GeneDx Variant Classification Process June 2021. Collection method: clinical testing. Allele origin: germline. Affected: yes.
Comment: Not observed at significant frequency in large population cohorts (gnomAD); In silico analysis supports that this missense variant has a deleterious effect on protein structure/function; Has not been previously published as pathogenic or benign to our knowledge

NM_018834.6(MATR3):c.2427T>G (p.Phe809Leu)

Gene: MATR3 (matrin 3; plus strand). Cytogenetic location: 5q31.2.
Variant type: single nucleotide variant.
Coding change: c.2427T>G on transcript NM_018834.6 (MANE Select); coding-DNA position 2427, T replaced by G.
Protein change: p.Phe809Leu; replaces phenylalanine 809 with leucine.
Molecular consequence: missense variant.
Genome position (GRCh38, 1-based): chr5:139,326,218, T>G. VCF-style: chr5-139326218-T-G. GRCh37 (hg19) VCF-style: chr5-138661907-T-G.
Other names: c.2427T>G, p.Phe809Leu (NM_001194954.2, NM_001194955.2, NM_001400447.1 and 11 more transcripts); c.1563T>G, p.Phe521Leu (NM_001194956.2); c.1413T>G, p.Phe471Leu (NM_001282278.2, NM_001400462.1, NM_001400463.1 and 4 more transcripts); c.2571T>G, p.Phe857Leu (NM_001400441.1, NM_001400442.1, NM_001400443.1 and 2 more transcripts); c.1566T>G, p.Phe522Leu (NM_001400459.1); c.1557T>G, p.Phe519Leu (NM_001400460.1); c.1527T>G, p.Phe509Leu (NM_001400461.1); short protein forms F471L, F509L, F519L, F521L, F522L, F809L, F857L.
Identifiers: ClinVar variation 3372176 (VCV003372176.1).